The following is an entry in ClinVar:

ClinVar aggregate classification (germline): Pathogenic/Likely pathogenic. Review status: criteria provided, multiple submitters, no conflicts (2 of 4 stars). 6 submissions from 6 submitters: Pathogenic (2); Likely pathogenic (3). 1 of the submissions does not count toward it. Last evaluated 2026-01-26.

Conditions:
Wilson disease (WND). Also called: Wilson's disease. Identifiers: Orphanet 905, MedGen C0019202, MONDO:0010200, OMIM 277900. Disease mechanism: loss of function.

Allele frequency attached by ClinVar (database versions not stated): gnomAD exomes below 0.00001; ExAC 0.00001.
gnomAD v4.1: 2 of 1,614,198 alleles (0.00012%); highest among the groups gnomAD compares: East Asian, 0.0045%; no homozygotes.

Submissions (6):

Labcorp Genetics (formerly Invitae), Labcorp
Classification: Pathogenic for Wilson disease. Last evaluated: 2026-01-26. Review status: criteria provided, single submitter. Criteria: Invitae Variant Classification Sherloc (09022015). Collection method: clinical testing. Allele origin: germline.
Comment: This sequence change replaces arginine, which is basic and polar, with serine, which is neutral and polar, at codon 1320 of the ATP7B protein (p.Arg1320Ser). This variant is present in population databases (rs778732681, gnomAD 0.006%). This missense change has been observed in individual(s) with Wilson disease (PMID: 23843956, 27398169). In at least one individual the data is consistent with being in trans (on the opposite chromosome) from a pathogenic variant. ClinVar contains an entry for this variant (Variation ID: 835275). Invitae Evidence Modeling of protein sequence and biophysical properties (such as structural, functional, and spatial information, amino acid conservation, physicochemical variation, residue mobility, and thermodynamic stability) indicates that this missense variant is expected to disrupt ATP7B protein function with a positive predictive value of 80%. For these reasons, this variant has been classified as Pathogenic.

Myriad Genetics, Inc.
Classification: Likely pathogenic for Wilson disease. Last evaluated: 2025-05-16. Review status: criteria provided, single submitter. Criteria: Myriad Autosomal Dominant, Autosomal Recessive and X-Linked Classification Criteria (2023). Collection method: clinical testing. Allele origin: unknown.
Comment: NM_000053.3(ATP7B):c.3960G>C(R1320S) is a missense variant classified as likely pathogenic in the context of Wilson disease. R1320S has been observed in cases with relevant disease (PMID: 23843956, 27398169, 38847512). Relevant functional assessments of this variant are not available in the literature. R1320S has been observed in referenced population frequency databases. In summary, NM_000053.3(ATP7B):c.3960G>C(R1320S) is a missense variant that has been observed more frequently in cases with the relevant disease than in healthy populations. Please note: this variant was assessed in the context of healthy population screening.

Baylor Genetics
Classification: Pathogenic for Wilson disease. Last evaluated: 2023-03-20. Review status: criteria provided, single submitter. Criteria: ACMG Guidelines, 2015. Collection method: clinical testing. Allele origin: unknown.

Genome-Nilou Lab
Classification: Likely pathogenic for Wilson disease. Last evaluated: 2021-08-10. Review status: criteria provided, single submitter. Criteria: ACMG Guidelines, 2015. Collection method: clinical testing. Allele origin: germline. Affected: no.

Juno Genomics, Hangzhou Juno Genomics, Inc
Classification: Likely pathogenic for Wilson disease. Review status: criteria provided, single submitter. Criteria: ACMG Guidelines, 2015. Collection method: clinical testing. Allele origin: germline.
Comment: Absent from controls (or at extremely low frequency if recessive) in Genome Aggregation Database.;Multiple lines of computational evidence support a deleterious effect on the gene or gene product.;For recessive disorders, detected in trans with a pathogenic variant.;Patient's phenotype or family history is highly specific for a disease with a single genetic etiology.

Chongqing Key Laboratory of Child Rare Diseases in Infection and Immunity, Children’s Hospital of Chongqing Medical University
Classification: Uncertain significance for Wilson disease. Last evaluated: 2024-01-01. Review status: flagged submission. Criteria: ACMG Guidelines, 2015. Collection method: clinical testing. Allele origin: germline. Inheritance: Autosomal recessive inheritance. Affected: yes. Not counted in ClinVar's aggregate classification.
Comment: Classified as Uncertain significance according to the ACMG/AMP 2015 guidelines (PMID:25741868). The classification was based on the available submitted evidence for Wilson disease (OMIM:277900), including clinical-testing observations, variant consequence/protein annotation, and published or ClinVar evidence where available. Supporting information considered: variant annotation: p.Arg1320Ser; Missense; Protein domain: Core (post-N); submitted notation: NM_000053.4:c.3960G>C (p.Arg1320Ser); source variant type: Missense; source domain: Core (post-N); allele count n=230: 2.
ClinVar note: Reason: Outlier claim with insufficient supporting evidence

Literature cited by the submitters: PubMed 23843956 (cited by Labcorp Genetics (formerly Invitae), Labcorp and Myriad Genetics, Inc.); PubMed 27398169 (cited by Labcorp Genetics (formerly Invitae), Labcorp and Myriad Genetics, Inc.); PubMed 38847512 (cited by Myriad Genetics, Inc.).

NM_000053.4(ATP7B):c.3960G>C (p.Arg1320Ser)

Gene: ATP7B (ATPase copper transporting beta; minus strand). Cytogenetic location: 13q14.3.
Variant type: single nucleotide variant.
Coding change: c.3960G>C on transcript NM_000053.4 (MANE Select); coding-DNA position 3960, G replaced by C.
Protein change: p.Arg1320Ser; replaces arginine 1320 with serine.
Molecular consequence: missense variant.
Genome position (GRCh38, 1-based): chr13:51,937,337, C>G on the plus strand (G>C on the coding strand, the complement: ATP7B is on the minus strand). VCF-style: chr13-51937337-C-G. GRCh37 (hg19) VCF-style: chr13-52511473-C-G.
Other names: c.3339G>C, p.Arg1113Ser (NM_001005918.3); c.3627G>C, p.Arg1209Ser (NM_001243182.2); c.3726G>C, p.Arg1242Ser (NM_001330578.2); c.3708G>C, p.Arg1236Ser (NM_001330579.2); short protein forms R1209S, R1236S, R1242S, R1113S, R1320S.
Identifiers: ClinVar variation 835275 (VCV000835275.16), dbSNP rs778732681, ClinGen allele CA6988526.